The following is an entry in ClinVar:

NM_004999.4(MYO6):c.3432C>G (p.Asn1144Lys)

Gene: MYO6 (myosin VI; plus strand). Cytogenetic location: 6q14.1.
Variant type: single nucleotide variant.
Coding change: c.3432C>G on transcript NM_004999.4 (MANE Select); coding-DNA position 3432, C replaced by G.
Protein change: p.Asn1144Lys; replaces asparagine 1144 with lysine.
Molecular consequence: missense variant. On other transcripts: intron variant (3).
Genome position (GRCh38, 1-based): chr6:75,911,691, C>G. VCF-style: chr6-75911691-C-G. GRCh37 (hg19) VCF-style: chr6-76621408-C-G.
Other names: c.3363C>G, p.Asn1121Lys (NM_001300899.2); c.3348C>G, p.Asn1116Lys (NM_001368138.1); c.3459C>G, p.Asn1153Lys (NM_001368865.1); c.3440-2372C>G (NM_001368866.1); c.3401-2372C>G (NM_001368137.1); c.3344-2372C>G (NM_001368136.1); short protein forms N1153K, N1116K, N1121K, N1144K.
Identifiers: ClinVar variation 4779108 (VCV004779108.1).

ClinVar aggregate classification (germline): Uncertain significance (1 of 4 stars; one submission).

gnomAD v4.1: 5 of 1,612,008 alleles (0.00031%); highest among the groups gnomAD compares: Admixed American, 0.0017%; no homozygotes.

Submission:

Labcorp Genetics (formerly Invitae), Labcorp
Classification: Uncertain significance. Last evaluated: 2025-04-10. Review status: criteria provided, single submitter. Criteria: Invitae Variant Classification Sherloc (09022015). Collection method: clinical testing. Allele origin: germline.
Comment: This sequence change replaces asparagine, which is neutral and polar, with lysine, which is basic and polar, at codon 1144 of the MYO6 protein (p.Asn1144Lys). This variant is present in population databases (rs772898051, gnomAD 0.002%). This variant has not been reported in the literature in individuals affected with MYO6-related conditions. An algorithm developed to predict the effect of missense changes on protein structure and function (PolyPhen-2) suggests that this variant is likely to be tolerated. In summary, the available evidence is currently insufficient to determine the role of this variant in disease. Therefore, it has been classified as a Variant of Uncertain Significance.